The following is an entry in ClinVar:

NM_002693.3(POLG):c.316dup (p.His106fs)

Genes: POLG (DNA polymerase gamma, catalytic subunit; minus strand), POLGARF (POLG alternative reading frame; minus strand). Cytogenetic location: 15q26.1.
Variant type: Duplication.
Coding change: c.316dup on transcript NM_002693.3 (MANE Select); coding-DNA position 316, one base duplicated (C; older notation c.316dupC).
Protein change: p.His106fs; shifts the reading frame from histidine 106.
Molecular consequence: frameshift variant.
Genome position (GRCh38, 1-based): chr15:89,333,439, G duplicated on the plus strand (C on the coding strand, the reverse complement: POLG is on the minus strand). VCF-style (leftmost placement, unchanged base first): chr15-89333438-T-TG. GRCh37 (hg19) VCF-style: chr15-89876669-T-TG.
Other names: c.371dup, p.Pro125fs (NM_001430120.1); c.316dup, p.His106fs (NM_001126131.2); short protein forms H106fs, P125fs.
Identifiers: ClinVar variation 5013825 (VCV005013825.1).

ClinVar aggregate classification (germline): Pathogenic (1 of 4 stars; one submission).

Conditions:
POLG-related disorder. Also called: POLG-Related Spectrum Disorders; POLG-related condition; POLG-Related Disorders. Identifiers: MedGen C4763519.

Submission:

Myriad Genetics, Inc.
Classification: Pathogenic for POLG-related disorder. Last evaluated: 2024-11-30. Review status: criteria provided, single submitter. Criteria: Myriad Autosomal Dominant, Autosomal Recessive and X-Linked Classification Criteria (2023). Collection method: clinical testing. Allele origin: unknown.
Comment: NM_002693.2(POLG):c.316dupC(H106Pfs*138) is expected to be pathogenic in the context of POLG-related disorders. This variant is predicted to lead to an abnormal or absent protein product due to the creation of a premature termination codon in POLG, a gene where loss-of-function variants are known to be pathogenic. Please note: this variant was assessed in the context of healthy population screening.